The following is an entry in ClinVar:

NM_005068.3(SIM1):c.1110G>A (p.Gly370=)

Genes: SIM1 (SIM bHLH transcription factor 1; minus strand), SIM1-AS1 (SIM1 antisense RNA 1; plus strand). Cytogenetic location: 6q16.3.
Variant type: single nucleotide variant.
Coding change: c.1110G>A on transcript NM_005068.3 (MANE Select); coding-DNA position 1110, G replaced by A.
Protein change: p.Gly370=; no amino-acid change (glycine 370 retained).
Molecular consequence: synonymous variant.
Genome position (GRCh38, 1-based): chr6:100,420,847, C>T on the plus strand (G>A on the coding strand, the complement: SIM1 is on the minus strand). VCF-style: chr6-100420847-C-T. GRCh37 (hg19) VCF-style: chr6-100868723-C-T.
Other names: c.1110G>A, p.Gly370= (NM_001374769.1).
Identifiers: ClinVar variation 3347140 (VCV003347140.1).

ClinVar aggregate classification (germline): Likely benign (0 of 4 stars; one submission).

Conditions:
SIM1-related disorder. Also called: SIM1-related condition; SIM1-related disorders.

Submission:

PreventionGenetics, part of Exact Sciences
Classification: Likely benign for SIM1-related condition. Last evaluated: 2024-07-11. Review status: no assertion criteria provided. Collection method: clinical testing. Allele origin: germline.
Comment: This variant is classified as likely benign based on ACMG/AMP sequence variant interpretation guidelines (Richards et al. 2015 PMID: 25741868, with internal and published modifications).